The following is an entry in ClinVar:

ClinVar aggregate classification (germline): Benign/Likely benign. Review status: criteria provided, multiple submitters, no conflicts (2 of 4 stars). 6 submissions from 6 submitters: Benign (1); Likely benign (3). 2 of the submissions do not count toward it. Last evaluated 2026-04-01.

Allele frequency attached by ClinVar (database versions not stated): 1000 Genomes Project 30x 0.00203; ESP Exome Variant Server 0.00207; 1000 Genomes Project 0.00260; TOPMed 0.00267; ExAC 0.00297; gnomAD 0.00317 and 0.00327.
gnomAD v4.1: 5,638 of 1,614,008 alleles (0.35%); highest among the groups gnomAD compares: East Asian, 0.57%; 18 homozygotes.

Submissions (6):

CeGaT Center for Human Genetics Tuebingen
Classification: Likely benign. Last evaluated: 2026-04-01. Review status: criteria provided, single submitter. Criteria: CeGaT Center For Human Genetics Tuebingen Variant Classification Criteria Version 2. Collection method: clinical testing. Allele origin: germline. Affected: yes. Observed: 2 variant alleles.
Comment: TAPT1: BP4, BS2

Labcorp Genetics (formerly Invitae), Labcorp
Classification: Benign. Last evaluated: 2026-01-14. Review status: criteria provided, single submitter. Criteria: Invitae Variant Classification Sherloc (09022015). Collection method: clinical testing. Allele origin: germline.

GeneDx
Classification: Likely benign. Last evaluated: 2021-04-27. Review status: criteria provided, single submitter. Criteria: GeneDx Variant Classification Process June 2021. Collection method: clinical testing. Allele origin: germline. Affected: yes.

Breakthrough Genomics
Classification: Likely benign. Review status: criteria provided, single submitter. Criteria: ACMG Guidelines, 2015. Collection method: not provided. Allele origin: germline. Inheritance: Autosomal recessive inheritance. Affected: yes.

Genome Diagnostics Laboratory, Amsterdam University Medical Center
Classification: Benign. Review status: no assertion criteria provided. Collection method: clinical testing. Allele origin: germline. Affected: yes. Study: VKGL Data-share Consensus. Not counted in ClinVar's aggregate classification.

Genome Diagnostics Laboratory, University Medical Center Utrecht
Classification: Likely benign. Review status: no assertion criteria provided. Collection method: clinical testing. Allele origin: germline. Affected: yes. Study: VKGL Data-share Consensus. Not counted in ClinVar's aggregate classification.

NM_153365.3(TAPT1):c.1565A>G (p.Asn522Ser)

Gene: TAPT1 (transmembrane anterior posterior transformation 1; minus strand). Cytogenetic location: 4p15.32.
Variant type: single nucleotide variant.
Coding change: c.1565A>G on transcript NM_153365.3 (MANE Select); coding-DNA position 1565, A replaced by G.
Protein change: p.Asn522Ser; replaces asparagine 522 with serine.
Molecular consequence: missense variant.
Genome position (GRCh38, 1-based): chr4:16,163,447, T>C on the plus strand (A>G on the coding strand, the complement: TAPT1 is on the minus strand). VCF-style: chr4-16163447-T-C. GRCh37 (hg19) VCF-style: chr4-16165070-T-C.
Other names: short protein forms N522S.
Identifiers: ClinVar variation 770900 (VCV000770900.37), dbSNP rs16893137, ClinGen allele CA2867247.